The following is an entry in ClinVar:

NM_001287.6(CLCN7):c.1617+7G>A

Gene: CLCN7 (Cl-/H+ antiporter 7; minus strand). Cytogenetic location: 16p13.3.
Variant type: single nucleotide variant.
Coding change: c.1617+7G>A on transcript NM_001287.6 (MANE Select); 7 bases into the intron after coding-DNA position 1617, G replaced by A.
Molecular consequence: intron variant.
Genome position (GRCh38, 1-based): chr16:1,450,490, C>T on the plus strand (G>A on the coding strand, the complement: CLCN7 is on the minus strand). VCF-style: chr16-1450490-C-T. GRCh37 (hg19) VCF-style: chr16-1500491-C-T.
Other names: c.1545+7G>A (NM_001114331.3).
Identifiers: ClinVar variation 4993725 (VCV004993725.1).
Genomic context (GRCh38, chr16:1,450,490, plus strand): 5'-GGCCCGCGATGCCGCAAGACCTGGCTCAGCTGCAGGGCCCCACAGCCTCCCCTCCGGCCC[C>T]ACTCACCGCCGCCCCCGTGAGGTAGGACAGGGAGATCCCAAAGAGCCGGCCCCAGGCAGC-3'

ClinVar aggregate classification (germline): Likely benign (1 of 4 stars; one submission).

Conditions:
CLCN7-related disorder. Also called: CLCN7-related condition.

Submission:

PreventionGenetics, part of Exact Sciences
Classification: Likely benign for CLCN7-related condition. Last evaluated: 2026-04-29. Review status: criteria provided, single submitter. Criteria: ACMG Guidelines, 2015. Collection method: clinical testing. Allele origin: germline.
Comment: This variant is classified as likely benign based on ACMG/AMP sequence variant interpretation guidelines (Richards et al. 2015 PMID: 25741868, with internal and published modifications).